The following is an entry in ClinVar:

NM_005477.3(HCN4):c.155C>T (p.Pro52Leu)

Gene: HCN4 (hyperpolarization activated cyclic nucleotide gated potassium channel 4; minus strand). Cytogenetic location: 15q24.1.
Variant type: single nucleotide variant.
Coding change: c.155C>T on transcript NM_005477.3 (MANE Select); coding-DNA position 155, C replaced by T.
Protein change: p.Pro52Leu; replaces proline 52 with leucine.
Molecular consequence: missense variant.
Genome position (GRCh38, 1-based): chr15:73,368,116, G>A on the plus strand (C>T on the coding strand, the complement: HCN4 is on the minus strand). VCF-style: chr15-73368116-G-A. GRCh37 (hg19) VCF-style: chr15-73660457-G-A.
Other names: short protein forms P52L.
Identifiers: ClinVar variation 3662932 (VCV003662932.2).

ClinVar aggregate classification (germline): Uncertain significance (1 of 4 stars; one submission).

Conditions:
Brugada syndrome 8 (BRGDA8). Identifiers: Orphanet 130, MedGen C2751083, MONDO:0013148, OMIM 613123.

gnomAD v4.1: 6 of 1,507,548 alleles (0.0004%); highest among the groups gnomAD compares: East Asian, 0.016%; no homozygotes.

Submission:

Labcorp Genetics (formerly Invitae), Labcorp
Classification: Uncertain significance for Brugada syndrome 8. Last evaluated: 2024-06-30. Review status: criteria provided, single submitter. Criteria: Invitae Variant Classification Sherloc (09022015). Collection method: clinical testing. Allele origin: germline.
Comment: This sequence change replaces proline, which is neutral and non-polar, with leucine, which is neutral and non-polar, at codon 52 of the HCN4 protein (p.Pro52Leu). This variant is not present in population databases (gnomAD no frequency). This variant has not been reported in the literature in individuals affected with HCN4-related conditions. Advanced modeling of protein sequence and biophysical properties (such as structural, functional, and spatial information, amino acid conservation, physicochemical variation, residue mobility, and thermodynamic stability) performed at Invitae indicates that this missense variant is not expected to disrupt HCN4 protein function with a negative predictive value of 95%. In summary, the available evidence is currently insufficient to determine the role of this variant in disease. Therefore, it has been classified as a Variant of Uncertain Significance.